The following is an entry in ClinVar:

ClinVar aggregate classification (germline): Conflicting classifications of pathogenicity. Review status: criteria provided, conflicting classifications (1 of 4 stars). 11 submissions from 9 submitters: Uncertain significance (10); Benign (1). Last evaluated 2026-02-01.

Conditions:
Age related macular degeneration 9. Identifiers: MedGen C1969651, MONDO:0012659, OMIM 611378.
Atypical hemolytic-uremic syndrome. Identifiers: Orphanet 2134, MedGen C2931788, MONDO:0016244.
C3 glomerulonephritis. Also called: Nephropathy due to CFHR5 Deficiency; C3 GLOMERULOPATHY 3. Identifiers: Orphanet 329931, MedGen C4055342, MONDO:0013892, OMIM 614809.
Atypical hemolytic-uremic syndrome with C3 anomaly. Also called: AHUS, SUSCEPTIBILITY TO, 5. Identifiers: Orphanet 2134, MedGen C2752037, MONDO:0013043, OMIM 612925.
Complement component 3 deficiency. Identifiers: Orphanet 280133, MedGen C3151071, MONDO:0013417, OMIM 613779.

Allele frequency attached by ClinVar (database versions not stated): gnomAD exomes 0.00036 and 0.00074; ESP Exome Variant Server 0.00038; TOPMed 0.00043; gnomAD 0.00051 and 0.00053; ExAC 0.00055.
gnomAD v4.1: 1,111 of 1,588,944 alleles (0.07%); highest among the groups gnomAD compares: Non-Finnish European, 0.092%; no homozygotes.

Submissions (11):

Labcorp Genetics (formerly Invitae), Labcorp
Classification: Uncertain significance. Last evaluated: 2026-02-01. Review status: criteria provided, single submitter. Criteria: Invitae Variant Classification Sherloc (09022015). Collection method: clinical testing. Allele origin: germline.
Comment: This sequence change replaces leucine, which is neutral and non-polar, with proline, which is neutral and non-polar, at codon 9 of the C3 protein (p.Leu9Pro). This variant is present in population databases (rs138214338, gnomAD 0.08%). This missense change has been observed in individual(s) with C3-related conditions (PMID: 29670616, 29888403, 34631043, 35295324). ClinVar contains an entry for this variant (Variation ID: 872465). Experimental studies and prediction algorithms are not available or were not evaluated, and the functional significance of this variant is currently unknown. In summary, the available evidence is currently insufficient to determine the role of this variant in disease. Therefore, it has been classified as a Variant of Uncertain Significance.

Genomenon, Inc
Classification: Uncertain significance for C3 glomerulonephritis; Atypical hemolytic-uremic syndrome. Last evaluated: 2025-09-30. Review status: criteria provided, single submitter. Criteria: Genomenon Sequence Variant Interpretation Standards. Collection method: curation. Allele origin: germline. Affected: yes.
Comment: C3 p.Leu9Pro (c.26T>C) is a missense variant that changes the amino acid at residue 9 from Leucine to Proline. This variant has been observed in at least one proband affected with a C3-related disorder (PMID:34631043;29670616). In conclusion, we classify C3 p.Leu9Pro (c.26T>C) as a variant of unknown significance.

Centre for Clinical Genetics and Genomic Diagnostics, Zealand University Hospital
Classification: Uncertain significance. Last evaluated: 2025-04-07. Review status: criteria provided, single submitter. Criteria: ACMG Guidelines, 2015. Collection method: clinical testing. Allele origin: germline.

CeGaT Center for Human Genetics Tuebingen
Classification: Uncertain significance. Last evaluated: 2024-12-01. Review status: criteria provided, single submitter. Criteria: CeGaT Center For Human Genetics Tuebingen Variant Classification Criteria Version 2. Collection method: clinical testing. Allele origin: germline. Affected: yes. Observed: 2 variant alleles.

Blueprint Genetics
Classification: Uncertain significance. Last evaluated: 2024-11-05. Review status: criteria provided, single submitter. Criteria: ACMG Guidelines, 2015. Collection method: clinical testing. Allele origin: germline.

Fulgent Genetics
Classification: Uncertain significance for Age related macular degeneration 9; Atypical hemolytic-uremic syndrome with C3 anomaly; Complement component 3 deficiency. Last evaluated: 2024-04-10. Review status: criteria provided, single submitter. Criteria: ACMG Guidelines, 2015. Collection method: clinical testing. Allele origin: germline.

Mayo Clinic Laboratories, Mayo Clinic
Classification: Uncertain significance. Last evaluated: 2023-03-29. Review status: criteria provided, single submitter. Criteria: ACMG Guidelines, 2015. Collection method: clinical testing. Allele origin: germline. Observed: 5 variant alleles.

Genome Diagnostics Laboratory, The Hospital for Sick Children
Classification: Uncertain significance for Atypical hemolytic-uremic syndrome. Last evaluated: 2021-01-22. Review status: criteria provided, single submitter. Criteria: ACMG Guidelines, 2015. Collection method: clinical testing. Allele origin: germline.

Illumina Laboratory Services, Illumina
Classification: Benign for Atypical hemolytic-uremic syndrome with C3 anomaly. Last evaluated: 2018-01-13. Review status: criteria provided, single submitter. Criteria: ICSL Variant Classification Criteria 13 December 2019. Collection method: clinical testing. Allele origin: germline.
Comment: This variant was observed in the ICSL laboratory as part of a predisposition screen in an ostensibly healthy population. It had not been previously curated by ICSL or reported in the Human Gene Mutation Database (HGMD: prior to June 1st, 2018), and was therefore a candidate for classification through an automated scoring system. Utilizing variant allele frequency, disease prevalence and penetrance estimates, and inheritance mode, an automated score was calculated to assess if this variant is too frequent to cause the disease. Based on the score and internal cut-off values, a variant classified as benign is not then subjected to further curation. The score for this variant resulted in a classification of benign for this disease.

Illumina Laboratory Services, Illumina
Classification: Uncertain significance for Age related macular degeneration 9. Last evaluated: 2018-01-13. Review status: criteria provided, single submitter. Criteria: ICSL Variant Classification Criteria 13 December 2019. Collection method: clinical testing. Allele origin: germline.

Illumina Laboratory Services, Illumina
Classification: Uncertain significance for Complement component 3 deficiency. Last evaluated: 2018-01-13. Review status: criteria provided, single submitter. Criteria: ICSL Variant Classification Criteria 13 December 2019. Collection method: clinical testing. Allele origin: germline.

Literature cited by the submitters: PubMed 29670616 (cited by 3 submitters); PubMed 29888403 (cited by Labcorp Genetics (formerly Invitae), Labcorp and Mayo Clinic Laboratories, Mayo Clinic); PubMed 34631043 (cited by 3 submitters); PubMed 35295324 (cited by Labcorp Genetics (formerly Invitae), Labcorp and Mayo Clinic Laboratories, Mayo Clinic); PubMed 29500241 (cited by Mayo Clinic Laboratories, Mayo Clinic).

NM_000064.4(C3):c.26T>C (p.Leu9Pro)

Gene: C3 (complement C3; minus strand). Cytogenetic location: 19p13.3.
Variant type: single nucleotide variant.
Coding change: c.26T>C on transcript NM_000064.4 (MANE Select); coding-DNA position 26, T replaced by C.
Protein change: p.Leu9Pro; replaces leucine 9 with proline.
Molecular consequence: missense variant.
Genome position (GRCh38, 1-based): chr19:6,720,564, A>G on the plus strand (T>C on the coding strand, the complement: C3 is on the minus strand). VCF-style: chr19-6720564-A-G. GRCh37 (hg19) VCF-style: chr19-6720575-A-G.
Other names: p.Leu9Pro; short protein forms L9P.
Identifiers: ClinVar variation 872465 (VCV000872465.57), dbSNP rs138214338, ClinGen allele CA9129927.